The following is an entry in ClinVar:

ClinVar aggregate classification (germline): Likely benign. Review status: criteria provided, multiple submitters, no conflicts (2 of 4 stars). 3 submissions from 3 submitters: Likely benign (3). Last evaluated 2024-11-14.

Allele frequency attached by ClinVar (database versions not stated): 1000 Genomes Project 0.01078; gnomAD 0.00985 and 0.01065; ESP Exome Variant Server 0.01153; TOPMed 0.01119; 1000 Genomes Project 30x 0.01171.
gnomAD v4.1: 2,906 of 1,433,954 alleles (0.2%); highest among the groups gnomAD compares: African/African-American, 3.5%; 58 homozygotes.

Submissions (3):

Mayo Clinic Laboratories, Mayo Clinic
Classification: Likely benign. Last evaluated: 2024-11-14. Review status: criteria provided, single submitter. Criteria: ACMG Guidelines, 2015. Collection method: clinical testing. Allele origin: germline. Observed: 1 variant allele.
Comment: BA1, BS2, BP7

GeneDx
Classification: Likely benign. Last evaluated: 2019-11-05. Review status: criteria provided, single submitter. Criteria: GeneDx Variant Classification Process June 2021. Collection method: clinical testing. Allele origin: germline. Affected: yes.

Breakthrough Genomics
Classification: Likely benign. Review status: criteria provided, single submitter. Criteria: ACMG Guidelines, 2015. Collection method: not provided. Allele origin: germline. Inheritance: Autosomal recessive inheritance. Affected: yes.

NM_015702.3(MMADHC):c.478+27A>T

Gene: MMADHC (metabolism of cobalamin associated D; minus strand). Cytogenetic location: 2q23.2.
Variant type: single nucleotide variant.
Coding change: c.478+27A>T on transcript NM_015702.3 (MANE Select); 27 bases into the intron after coding-DNA position 478, A replaced by T.
Molecular consequence: intron variant.
Genome position (GRCh38, 1-based): chr2:149,576,410, T>A on the plus strand (A>T on the coding strand, the complement: MMADHC is on the minus strand). VCF-style: chr2-149576410-T-A. GRCh37 (hg19) VCF-style: chr2-150432924-T-A.
Other names: p.?.
Identifiers: ClinVar variation 1200118 (VCV001200118.5), dbSNP rs185924056, ClinGen allele CA1902389.